The following is an entry in ClinVar:

NM_005676.5(RBM10):c.117_132del (p.Met39fs)

Gene: RBM10 (RNA binding motif protein 10; plus strand). Cytogenetic location: Xp11.3.
Variant type: Deletion.
Coding change: c.117_132del on transcript NM_005676.5 (MANE Select); coding-DNA positions 117 to 132, 16 bases deleted (GGACTACCGTTCATAT).
Protein change: p.Met39fs; shifts the reading frame from methionine 39.
Molecular consequence: frameshift variant.
Genome position (GRCh38, 1-based): chrX:47,169,414-47,169,429, GGACTACCGTTCATAT deleted; deleting any 16 consecutive bases within chrX:47,169,412-47,169,429 gives the same sequence; the c. name uses the placement nearest the transcript's 3' end. VCF-style (leftmost placement, unchanged base first): chrX-47169411-CATGGACTACCGTTCAT-C. GRCh37 (hg19) VCF-style: chrX-47028810-CATGGACTACCGTTCAT-C.
Other names: c.117_132del, p.Met39fs (NM_001204466.2, NM_001204467.2, NM_152856.3); c.312_327del, p.Met104fs (NM_001204468.2); short protein forms M104fs, M39fs.
Identifiers: ClinVar variation 986344 (VCV000986344.1), dbSNP rs1934470534, ClinGen allele CA1139667508.

ClinVar aggregate classification (germline): Likely pathogenic (1 of 4 stars; one submission).

Conditions:
TARP syndrome (TARPS). Also called: PIERRE ROBIN SYNDROME WITH CONGENITAL HEART MALFORMATION AND CLUBFOOT; TALIPES EQUINOVARUS, ATRIAL SEPTAL DEFECT, ROBIN SEQUENCE, AND PERSISTENCE OF LEFT SUPERIOR VENA CAVA. Identifiers: Orphanet 2886, MedGen C1839463, MONDO:0010711, OMIM 311900.

Submission:

Rady Children's Institute for Genomic Medicine, Rady Children's Hospital San Diego
Classification: Likely pathogenic for TARP SYNDROME. Last evaluated: 2019-04-18. Review status: criteria provided, single submitter. Criteria: ACMG Guidelines, 2015. Collection method: clinical testing. Allele origin: germline. Affected: yes.
Comment: This frameshifting variant in exon 3 of 24 introduces a premature stop codon and is therefore predicted to result in loss of normal protein function. It is absent from the ExAC and gnomAD population databases and thus is presumed to be rare. Based on the available evidence, the c.117_132del (p.Met39IlefsTer90) variant is classified as Likely Pathogenic.